The following is an entry in ClinVar:

ClinVar aggregate classification (germline): Uncertain significance (1 of 4 stars; one submission).

Allele frequency attached by ClinVar (database versions not stated): gnomAD exomes below 0.00001.

Submission:

Women's Health and Genetics/Laboratory Corporation of America, LabCorp
Classification: Uncertain significance. Last evaluated: 2021-04-20. Review status: criteria provided, single submitter. Criteria: LabCorp Variant Classification Summary - May 2015. Collection method: clinical testing. Allele origin: germline.
Comment: Variant summary: TTN c.13192G>A (p.Glu4398Lys) results in a conservative amino acid change located in the I-band region of the encoded protein sequence. Four of four in-silico tools predict a benign effect of the variant on protein function. The variant allele was found at a frequency of 4.1e-06 in 246754 control chromosomes (gnomAD v2.1). The available data on variant occurrences in the general population are insufficient to allow any conclusion about variant significance. To our knowledge, no occurrence of c.13192G>A in individuals affected with Dilated Cardiomyopathy and no experimental evidence demonstrating its impact on protein function have been reported. No clinical diagnostic laboratories have submitted clinical-significance assessments for this variant to ClinVar after 2014. Based on the evidence outlined above, the variant was classified as uncertain significance.

NM_001267550.2(TTN):c.16924G>A (p.Glu5642Lys)

Genes: TTN (titin; minus strand), LOC126806431 (CDK7 strongly-dependent group 2 enhancer GRCh37_chr2:179595719-179596918; plus strand). Cytogenetic location: 2q31.2.
Variant type: single nucleotide variant.
Coding change: c.16924G>A on transcript NM_001267550.2 (MANE Select); coding-DNA position 16924, G replaced by A.
Protein change: p.Glu5642Lys; replaces glutamic acid 5642 with lysine.
Molecular consequence: missense variant. On other transcripts: intron variant (3).
Genome position (GRCh38, 1-based): chr2:178,731,951, C>T on the plus strand (G>A on the coding strand, the complement: TTN is on the minus strand). VCF-style: chr2-178731951-C-T. GRCh37 (hg19) VCF-style: chr2-179596678-C-T.
Other names: c.15973G>A, p.Glu5325Lys (NM_001256850.1); c.13192G>A, p.Glu4398Lys (NM_133378.4); c.13282+6131G>A (NM_003319.4); c.13858+6131G>A (NM_133437.4); c.13657+6131G>A (NM_133432.3); short protein forms E4398K, E5325K, E5642K.
Identifiers: ClinVar variation 1098808 (VCV001098808.1), dbSNP rs1448901680, ClinGen allele CA349577391.
Genomic context (GRCh38, chr2:178,731,951, plus strand): 5'-CTGCCACCTCAGCCAGCAACATGACATCGTACTCCTTTAAGACTTCAATTGGCTTAAATT[C>T]CTTGGTAAAATAAGGTGACTCTACAGTAAAAAAGGAATGATTTGCATTAAGGGAGGAGGG-3'
Protein context (NP_001254479.2, residues 5632-5652): IVKESPYFTK[Glu5642Lys]FKPIEVLKEY